The following is an entry in ClinVar:

ClinVar aggregate classification (germline): Uncertain significance (1 of 4 stars; one submission).

Conditions:
Autoimmune lymphoproliferative syndrome type 2B. Also called: AUTOIMMUNE LYMPHOPROLIFERATIVE SYNDROME, TYPE IIB. Identifiers: Orphanet 275517, MedGen C1846545, MONDO:0011804, OMIM 607271.

Submission:

Labcorp Genetics (formerly Invitae), Labcorp
Classification: Uncertain significance for Autoimmune lymphoproliferative syndrome type 2B. Last evaluated: 2019-12-13. Review status: criteria provided, single submitter. Criteria: Invitae Variant Classification Sherloc (09022015). Collection method: clinical testing. Allele origin: germline.
Comment: This sequence change replaces tyrosine with serine at codon 316 of the CASP8 protein (p.Tyr316Ser). The tyrosine residue is moderately conserved and there is a large physicochemical difference between tyrosine and serine. In summary, the available evidence is currently insufficient to determine the role of this variant in disease. Therefore, it has been classified as a Variant of Uncertain Significance. Algorithms developed to predict the effect of missense changes on protein structure and function are either unavailable or do not agree on the potential impact of this missense change (SIFT: "Deleterious"; PolyPhen-2: "Possibly Damaging"; Align-GVGD: "Class C0"). This variant has not been reported in the literature in individuals with CASP8-related conditions. This variant is not present in population databases (ExAC no frequency).

NM_001372051.1(CASP8):c.896A>C (p.Tyr299Ser)

Gene: CASP8 (caspase 8; plus strand). Cytogenetic location: 2q33.1.
Variant type: single nucleotide variant.
Coding change: c.896A>C on transcript NM_001372051.1 (MANE Select); coding-DNA position 896, A replaced by C.
Protein change: p.Tyr299Ser; replaces tyrosine 299 with serine.
Molecular consequence: missense variant. On other transcripts: non-coding transcript variant (22), intron variant (1).
Genome position (GRCh38, 1-based): chr2:201,284,909, A>C. VCF-style: chr2-201284909-A-C. GRCh37 (hg19) VCF-style: chr2-202149632-A-C.
Other names: c.851A>C, p.Tyr284Ser (NM_001400661.1, NM_001400662.1, NM_001400663.1 and 5 more transcripts); c.827A>C, p.Tyr276Ser (NM_001400664.1); c.821A>C, p.Tyr274Ser (NM_001400665.1); c.689A>C, p.Tyr230Ser (NM_001400666.1); c.644A>C, p.Tyr215Ser (NM_001400667.1, NM_001400668.1); c.587A>C, p.Tyr196Ser (NM_001400669.1); c.299A>C, p.Tyr100Ser (NM_001400671.1, NM_001400672.1, NM_001400673.1 and 1 more transcripts); c.281A>C, p.Tyr94Ser (NM_001400674.1, NM_001400680.1); and 7 more; short protein forms Y284S, Y299S, Y358S, Y316S, Y100S, Y196S, Y215S, Y230S.
Identifiers: ClinVar variation 863460 (VCV000863460.10), dbSNP rs1389538802, ClinGen allele CA350299323.